The following is an entry in ClinVar:

NM_001127898.4(CLCN5):c.965C>T (p.Ser322Phe)

Gene: CLCN5 (chloride voltage-gated channel 5; plus strand). Cytogenetic location: Xp11.23.
Variant type: single nucleotide variant.
Coding change: c.965C>T on transcript NM_001127898.4 (MANE Select); coding-DNA position 965, C replaced by T.
Protein change: p.Ser322Phe; replaces serine 322 with phenylalanine.
Molecular consequence: missense variant.
Genome position (GRCh38, 1-based): chrX:50,086,011, C>T. VCF-style: chrX-50086011-C-T. GRCh37 (hg19) VCF-style: chrX-49850668-C-T.
Other names: c.755C>T, p.Ser252Phe (NM_000084.5); c.965C>T, p.Ser322Phe (NM_001127899.4); c.815C>T, p.Ser272Phe (NM_001282163.2); short protein forms S252F, S322F, S272F.
Identifiers: ClinVar variation 3665446 (VCV003665446.2).

ClinVar aggregate classification (germline): Uncertain significance (1 of 4 stars; one submission).

Submission:

Labcorp Genetics (formerly Invitae), Labcorp
Classification: Uncertain significance. Last evaluated: 2024-12-24. Review status: criteria provided, single submitter. Criteria: Invitae Variant Classification Sherloc (09022015). Collection method: clinical testing. Allele origin: germline.
Comment: This sequence change replaces serine, which is neutral and polar, with phenylalanine, which is neutral and non-polar, at codon 252 of the CLCN5 protein (p.Ser252Phe). This variant is not present in population databases (gnomAD no frequency). This variant has not been reported in the literature in individuals affected with CLCN5-related conditions. Invitae Evidence Modeling of protein sequence and biophysical properties (such as structural, functional, and spatial information, amino acid conservation, physicochemical variation, residue mobility, and thermodynamic stability) indicates that this missense variant is expected to disrupt CLCN5 protein function with a positive predictive value of 80%. In summary, the available evidence is currently insufficient to determine the role of this variant in disease. Therefore, it has been classified as a Variant of Uncertain Significance.